The following is an entry in ClinVar:

ClinVar aggregate classification (germline): Likely benign (1 of 4 stars; one submission).

Submission:

CeGaT Center for Human Genetics Tuebingen
Classification: Likely benign. Last evaluated: 2023-01-01. Review status: criteria provided, single submitter. Criteria: CeGaT Center For Human Genetics Tuebingen Variant Classification Criteria Version 2. Collection method: clinical testing. Allele origin: germline. Affected: yes. Observed: 1 variant allele.
Comment: MUC4: BP4, BP7

NM_018406.7(MUC4):c.5886C>T (p.Pro1962=)

Gene: MUC4 (mucin 4, cell surface associated). Cytogenetic location: 3q29.
Variant type: single nucleotide variant.
Coding change: c.5886C>T on transcript NM_018406.7 (MANE Select); coding-DNA position 5886, C replaced by T.
Protein change: p.Pro1962=; no amino-acid change (proline 1962 retained).
Molecular consequence: synonymous variant. On other transcripts: genic upstream transcript variant (2).
Genome position (GRCh38, 1-based): chr3:195,785,694, G>A on the plus strand (C>T on the coding strand, the complement: MUC4 is on the minus strand). VCF-style: chr3-195785694-G-A. GRCh37 (hg19) VCF-style: chr3-195512565-G-A.
Other names: c.8541C>T, p.Ser2847= (NM_001322468.1); c.83-11389C>T (NM_138297.5); c.83-7239C>T (NM_004532.6).
Identifiers: ClinVar variation 2654469 (VCV002654469.24), dbSNP rs1388199688, ClinGen allele CA438040871.